The following is an entry in ClinVar:

ClinVar aggregate classification (germline): Uncertain significance (1 of 4 stars; one submission).

Submission:

GeneDx
Classification: Uncertain significance. Last evaluated: 2026-03-04. Review status: criteria provided, single submitter. Criteria: GeneDx Variant Classification Process June 2021. Collection method: clinical testing. Allele origin: germline.
Comment: Not observed at significant frequency in large population cohorts (gnomAD); Frameshift variant predicted to result in protein truncation or nonsense mediated decay in a gene or region of a gene for which loss of function is not a well-established mechanism of disease; Has not been previously published as pathogenic or benign to our knowledge; Variants in candidate genes are classified as variants of uncertain significance in accordance with ACMG guidelines (PMID: 25741868)

NM_015045.5(WAPL):c.2172_2175dup (p.Ile726fs)

Gene: WAPL (WAPL cohesin release factor; minus strand). Cytogenetic location: 10q23.2.
Variant type: Duplication.
Coding change: c.2172_2175dup on transcript NM_015045.5 (MANE Select); coding-DNA positions 2172 to 2175, 4 bases duplicated (GTAT; older notation c.2172_2175dupGTAT).
Protein change: p.Ile726fs; shifts the reading frame from isoleucine 726.
Molecular consequence: frameshift variant.
Genome position (GRCh38, 1-based): chr10:86,467,474-86,467,477, ATAC duplicated on the plus strand (GTAT on the coding strand, the reverse complement: WAPL is on the minus strand); duplicating any 4 consecutive bases within chr10:86,467,474-86,467,479 gives the same sequence; the c. name uses the placement nearest the transcript's 3' end. VCF-style (leftmost placement, unchanged base first): chr10-86467473-T-TATAC. GRCh37 (hg19) VCF-style: chr10-88227230-T-TATAC.
Other names: c.2154_2157dup, p.Ile720fs (NM_001318328.2); short protein forms I726fs, I720fs.
Identifiers: ClinVar variation 5008562 (VCV005008562.1).